The following is an entry in ClinVar:

ClinVar aggregate classification (germline): Benign/Likely benign. Review status: criteria provided, multiple submitters, no conflicts (2 of 4 stars). 4 submissions from 4 submitters: Benign (1); Likely benign (2). 1 of the submissions does not count toward it. Last evaluated 2026-02-01.

Conditions:
DST-related disorder. Also called: DST-related condition; DST-related disorders.

Allele frequency attached by ClinVar (database versions not stated): ESP Exome Variant Server 0.00010; gnomAD 0.00011; 1000 Genomes Project 30x 0.00016; 1000 Genomes Project 0.00020; TOPMed 0.00037; gnomAD exomes 0.00067; ExAC 0.00085.
gnomAD v4.1: 263 of 1,367,456 alleles (0.019%); highest among the groups gnomAD compares: Admixed American, 0.5%; 2 homozygotes.

Submissions (4):

CeGaT Center for Human Genetics Tuebingen
Classification: Likely benign. Last evaluated: 2026-02-01. Review status: criteria provided, single submitter. Criteria: CeGaT Center For Human Genetics Tuebingen Variant Classification Criteria Version 2. Collection method: clinical testing. Allele origin: germline. Affected: yes. Observed: 1 variant allele.
Comment: DST: BP4, BS2

Mayo Clinic Laboratories, Mayo Clinic
Classification: Likely benign. Last evaluated: 2025-12-14. Review status: criteria provided, single submitter. Criteria: ACMG Guidelines, 2015. Collection method: clinical testing. Allele origin: germline. Observed: 1 variant allele.
Comment: BS1, BP4, BP7

Women's Health and Genetics/Laboratory Corporation of America, LabCorp
Classification: Benign. Last evaluated: 2025-01-15. Review status: criteria provided, single submitter. Criteria: LabCorp Variant Classification Summary - May 2015. Collection method: clinical testing. Allele origin: germline.
Comment: Variant summary: DST c.-311650A>G is located in the untranscribed region upstream of the DST gene region. The variant allele was found at a frequency of 0.00092 in 247936 control chromosomes, predominantly at a frequency of 0.0066 within the Latino subpopulation in the gnomAD database, including 2 homozygotes. The observed variant frequency within Latino control individuals in the gnomAD database is approximately 6 fold of the estimated maximal expected allele frequency for a pathogenic variant in DST causing Epidermolysis bullosa simplex 3, localized or generalized intermediate, with BP230 deficiency phenotype (0.0011). To our knowledge, no occurrence of c.-311650A>G in individuals affected with Epidermolysis bullosa simplex 3, localized or generalized intermediate, with BP230 deficiency and no experimental evidence demonstrating its impact on protein function have been reported. ClinVar contains an entry for this variant (Variation ID: 3033992). Based on the evidence outlined above, the variant was classified as benign.

PreventionGenetics, part of Exact Sciences
Classification: Likely benign for DST-related condition. Last evaluated: 2023-08-04. Review status: no assertion criteria provided. Collection method: clinical testing. Allele origin: germline. Not counted in ClinVar's aggregate classification.
Comment: This variant is classified as likely benign based on ACMG/AMP sequence variant interpretation guidelines (Richards et al. 2015 PMID: 25741868, with internal and published modifications).

NM_001374736.1(DST):c.150A>G (p.Lys50=)

Gene: DST (dystonin; minus strand). Cytogenetic location: 6p12.1.
Variant type: single nucleotide variant.
Coding change: c.150A>G on transcript NM_001374736.1 (MANE Select); coding-DNA position 150, A replaced by G.
Protein change: p.Lys50=; no amino-acid change (lysine 50 retained).
Molecular consequence: synonymous variant.
Genome position (GRCh38, 1-based): chr6:56,954,438, T>C on the plus strand (A>G on the coding strand, the complement: DST is on the minus strand). VCF-style: chr6-56954438-T-C. GRCh37 (hg19) VCF-style: chr6-56819236-T-C.
Other names: p.Lys50=; c.-311650A>G (NM_001723.7); c.150A>G (NM_001144769.3); c.150A>G, p.Lys50= (NM_001144769.5, NM_001374722.1, NM_001374734.1).
Identifiers: ClinVar variation 3033992 (VCV003033992.9), dbSNP rs375301517, ClinGen allele CA3872063.